The following is an entry in ClinVar:

ClinVar aggregate classification (germline): Pathogenic (1 of 4 stars; one submission).

Conditions:
Multiple acyl-CoA dehydrogenase deficiency (MADD). Also called: ETHYLMALONIC-ADIPICACIDURIA; GA II; Glutaric aciduria, type 2; Glutaric acidemia type II; GA 2; Glutaric Acidemia type 2. Identifiers: Orphanet 26791, MedGen C0268596, MONDO:0009282, OMIM 231680.

Submission:

Labcorp Genetics (formerly Invitae), Labcorp
Classification: Pathogenic for Multiple acyl-CoA dehydrogenase deficiency. Last evaluated: 2023-07-16. Review status: criteria provided, single submitter. Criteria: Invitae Variant Classification Sherloc (09022015). Collection method: clinical testing. Allele origin: unknown.
Comment: For these reasons, this variant has been classified as Pathogenic. This variant disrupts a region of the ETFDH protein in which other variant(s) (p.Pro137Ser) have been determined to be pathogenic (PMID: 19265687). This suggests that this is a clinically significant region of the protein, and that variants that disrupt it are likely to be disease-causing. This variant has not been reported in the literature in individuals affected with ETFDH-related conditions. This variant is a gross deletion of the genomic region encompassing exon(s) 4-6 of the ETFDH gene. This variant would be expected to be in-frame, preserving the integrity of the reading frame.

Literature cited by the submitters: PubMed 19265687.

NC_000004.11:g.(?_159605724)_(159611597_?)del

Gene: ETFDH (electron transfer flavoprotein dehydrogenase; plus strand). Cytogenetic location: 4q32.1.
Variant type: Deletion.
Identifiers: ClinVar variation 3246604 (VCV003246604.1).